The following is an entry in ClinVar:

ClinVar aggregate classification (germline): Uncertain significance (0 of 4 stars; one submission).

Conditions:
ANK2-related disorder. Also called: ANK2-related condition.

Submission:

PreventionGenetics, part of Exact Sciences
Classification: Uncertain significance for ANK2-related condition. Last evaluated: 2024-09-25. Review status: no assertion criteria provided. Collection method: clinical testing. Allele origin: germline.
Comment: The ANK2 c.72G>C variant is predicted to result in the amino acid substitution p.Glu24Asp. To our knowledge, this variant has not been reported in the literature or in a large population database, indicating this variant is rare. At this time, the clinical significance of this variant is uncertain due to the absence of conclusive functional and genetic evidence.

NM_001148.6(ANK2):c.85-57055G>C

Gene: ANK2 (ankyrin 2; plus strand). Cytogenetic location: 4q25.
Variant type: single nucleotide variant.
Coding change: c.85-57055G>C on transcript NM_001148.6 (MANE Select); 57055 bases into the intron before coding-DNA position 85, G replaced by C.
Molecular consequence: intron variant. On other transcripts: missense variant (7).
Genome position (GRCh38, 1-based): chr4:113,117,361, G>C. VCF-style: chr4-113117361-G-C. GRCh37 (hg19) VCF-style: chr4-114038517-G-C.
Other names: c.72G>C, p.Glu24Asp (NM_001354230.2, NM_001354231.2, NM_001354237.2 and 4 more transcripts); c.73-57055G>C (NM_001386186.2, NM_001386148.2, NM_001354269.3 and 1 more transcripts); c.22-33719G>C (NM_001386147.1, NM_001386160.1, NM_001354261.2); c.22-57055G>C (NM_001354254.2, NM_001354239.2, NM_001354252.2 and 33 more transcripts); c.85-33719G>C (NM_001354241.2); c.85-57055G>C (NM_001354225.2, NM_001354235.2, NM_001354246.2 and 9 more transcripts); short protein forms E24D.
Identifiers: ClinVar variation 3344426 (VCV003344426.1).
Genomic context (GRCh38, chr4:113,117,361, plus strand): 5'-TGCTGCTTCTATTAAAAAAGTTCGAGAGGCTGATCTGGATGAAAAGGAAAAAAATCTTGA[G>C]AGAGACAGAAAAAAACAACGGAAAATCCCCAGAGAACGTATGGAACGAAAAAGAAAGGTA-3'